The following is an entry in ClinVar:

ClinVar aggregate classification (germline): Uncertain significance. Review status: criteria provided, multiple submitters, no conflicts (2 of 4 stars). 5 submissions from 5 submitters: Uncertain significance (4). 1 of the submissions does not count toward it. Last evaluated 2024-05-15.

Conditions:
Familial dysautonomia. Also called: FD; HSAN III. Identifiers: Orphanet 1764, MedGen C0013364, MONDO:0009131, OMIM 223900. Disease mechanism: loss of function.
Medulloblastoma (MDB). Also called: Medulloblastoma, somatic; MEDULLOBLASTOMA PREDISPOSITION SYNDROME. Identifiers: Orphanet 616, MedGen C0025149, MeSH D008527, MONDO:0007959, OMIM 155255, HP:0002885.

Allele frequency attached by ClinVar (database versions not stated): ExAC 0.00001; TOPMed 0.00003; gnomAD 0.00010.
gnomAD v4.1: 23 of 1,613,972 alleles (0.0014%); highest among the groups gnomAD compares: African/African-American, 0.0027%; no homozygotes.

Submissions (5):

St. Jude Molecular Pathology, St. Jude Children's Research Hospital
Classification: Uncertain significance for Medulloblastoma. Last evaluated: 2024-05-15. Review status: criteria provided, single submitter. Criteria: St. Jude Assertion Criteria 2020. Collection method: clinical testing. Allele origin: germline.

Labcorp Genetics (formerly Invitae), Labcorp
Classification: Uncertain significance. Last evaluated: 2022-04-18. Review status: criteria provided, single submitter. Criteria: Invitae Variant Classification Sherloc (09022015). Collection method: clinical testing. Allele origin: germline.
Comment: This sequence change replaces glutamic acid, which is acidic and polar, with lysine, which is basic and polar, at codon 174 of the ELP1 protein (p.Glu174Lys). This variant is present in population databases (rs758924768, gnomAD 0.008%). This variant has not been reported in the literature in individuals affected with ELP1-related conditions. ClinVar contains an entry for this variant (Variation ID: 455969). Algorithms developed to predict the effect of missense changes on protein structure and function are either unavailable or do not agree on the potential impact of this missense change (SIFT: "Tolerated"; PolyPhen-2: "Possibly Damaging"; Align-GVGD: "Class C0"). In summary, the available evidence is currently insufficient to determine the role of this variant in disease. Therefore, it has been classified as a Variant of Uncertain Significance.

Ambry Genetics
Classification: Uncertain significance. Last evaluated: 2020-07-07. Review status: criteria provided, single submitter. Criteria: Ambry Variant Classification Scheme 2023. Collection method: clinical testing. Allele origin: germline.
Comment: The p.E174K variant (also known as c.520G>A), located in coding exon 5 of the IKBKAP gene, results from a G to A substitution at nucleotide position 520. The glutamic acid at codon 174 is replaced by lysine, an amino acid with similar properties. This amino acid position is highly conserved in available vertebrate species. In addition, the in silico prediction for this alteration is inconclusive. Since supporting evidence is limited at this time, the clinical significance of this alteration remains unclear.

Mayo Clinic Laboratories, Mayo Clinic
Classification: Uncertain significance. Last evaluated: 2020-02-17. Review status: criteria provided, single submitter. Criteria: ACMG Guidelines, 2015. Collection method: clinical testing. Allele origin: germline. Observed: 1 variant allele.

Natera, Inc.
Classification: Uncertain significance for Hereditary sensory and autonomic neuropathy type III. Last evaluated: 2020-01-17. Review status: no assertion criteria provided. Collection method: clinical testing. Allele origin: germline. Not counted in ClinVar's aggregate classification.

NM_003640.5(ELP1):c.520G>A (p.Glu174Lys)

Gene: ELP1 (elongator acetyltransferase complex subunit 1; minus strand). Cytogenetic location: 9q31.3.
Variant type: single nucleotide variant.
Coding change: c.520G>A on transcript NM_003640.5 (MANE Select); coding-DNA position 520, G replaced by A.
Protein change: p.Glu174Lys; replaces glutamic acid 174 with lysine.
Molecular consequence: missense variant. On other transcripts: 5 prime UTR variant (1).
Genome position (GRCh38, 1-based): chr9:108,922,874, C>T on the plus strand (G>A on the coding strand, the complement: ELP1 is on the minus strand). VCF-style: chr9-108922874-C-T. GRCh37 (hg19) VCF-style: chr9-111685154-C-T.
Other names: c.520G>A (LRG_251t1); c.178G>A, p.Glu60Lys (NM_001318360.2); c.-340G>A (NM_001330749.2); short protein forms E174K, E60K.
Identifiers: ClinVar variation 455969 (VCV000455969.13), dbSNP rs758924768, ClinGen allele CA5175332.